The following is an entry in ClinVar:

NM_000368.5(TSC1):c.1030-9A>G

Gene: TSC1 (TSC complex subunit 1; minus strand). Cytogenetic location: 9q34.13.
Variant type: single nucleotide variant.
Coding change: c.1030-9A>G on transcript NM_000368.5 (MANE Select); 9 bases into the intron before coding-DNA position 1030, A replaced by G.
Molecular consequence: intron variant.
Genome position (GRCh38, 1-based): chr9:132,911,122, T>C on the plus strand (A>G on the coding strand, the complement: TSC1 is on the minus strand). VCF-style: chr9-132911122-T-C. GRCh37 (hg19) VCF-style: chr9-135786509-T-C.
Other names: c.667-9A>G (NM_001362177.2); c.877-9A>G (NM_001162427.2); c.1030-9A>G (NM_001162426.2).
Identifiers: ClinVar variation 48732 (VCV000048732.5), dbSNP rs118203487, ClinGen allele CA004339.

ClinVar aggregate classification (germline): Uncertain significance. Review status: criteria provided, single submitter (1 of 4 stars). 2 submissions from 2 submitters: Uncertain significance (1). 1 of the submissions does not count toward it. Last evaluated 2023-01-14.

Conditions:
Tuberous sclerosis syndrome (TSC). Also called: Tuberous Sclerosis Complex; Tuberous sclerosis. Identifiers: Orphanet 805, MedGen C0041341, MONDO:0001734.
Tuberous sclerosis 1 (TSC1). Identifiers: Orphanet 805, MedGen C1854465, MONDO:0008612, OMIM 191100.

Submissions (2):

Labcorp Genetics (formerly Invitae), Labcorp
Classification: Uncertain significance for Tuberous sclerosis 1. Last evaluated: 2023-01-14. Review status: criteria provided, single submitter. Criteria: Invitae Variant Classification Sherloc (09022015). Collection method: clinical testing. Allele origin: germline.
Comment: In summary, the available evidence is currently insufficient to determine the role of this variant in disease. Therefore, it has been classified as a Variant of Uncertain Significance. Algorithms developed to predict the effect of sequence changes on RNA splicing suggest that this variant may disrupt the consensus splice site. This sequence change falls in intron 10 of the TSC1 gene. It does not directly change the encoded amino acid sequence of the TSC1 protein. This variant is not present in population databases (gnomAD no frequency). This variant has been observed in individual(s) with tuberous sclerosis complex (PMID: 10363127). This variant is also known as 1251–9A>G. ClinVar contains an entry for this variant (Variation ID: 48732).

Tuberous sclerosis database (TSC1)
No classification provided. Condition: TSC. Review status: no classification provided. Criteria: Tuberous Sclerosis Database Assertion Criteria 2015. Collection method: curation. Allele origin: germline. Affected: yes. Not counted in ClinVar's aggregate classification.

Literature cited by the submitters: PubMed 10363127 (cited by Labcorp Genetics (formerly Invitae), Labcorp).